The following is an entry in ClinVar:

NM_001206999.2(CIT):c.5832C>T (p.Leu1944=)

Gene: CIT (citron rho-interacting serine/threonine kinase; minus strand). Cytogenetic location: 12q24.23.
Variant type: single nucleotide variant.
Coding change: c.5832C>T on transcript NM_001206999.2 (MANE Select); coding-DNA position 5832, C replaced by T.
Protein change: p.Leu1944=; no amino-acid change (leucine 1944 retained).
Molecular consequence: synonymous variant.
Genome position (GRCh38, 1-based): chr12:119,697,709, G>A on the plus strand (C>T on the coding strand, the complement: CIT is on the minus strand). VCF-style: chr12-119697709-G-A. GRCh37 (hg19) VCF-style: chr12-120135514-G-A.
Other names: c.5706C>T, p.Leu1902= (NM_007174.3).
Identifiers: ClinVar variation 750345 (VCV000750345.9), dbSNP rs566427265, ClinGen allele CA6820713.
Genomic context (GRCh38, chr12:119,697,709, plus strand): 5'-AGCTGGTTACCTGCGGGAGGTGGACGGGCCCCGGTGGTGTTCAGTGCCGGACTCCTTCAC[G>A]AGGTTTCCCTTGCAGCAAATGACCCTTAATTTATCCTGGTATGAGGACGCCAAGTAAATC-3'
Protein context (NP_001193928.1, residues 1934-1954): KLRVICCKGN[Leu1944=]VKESGTEHHR

ClinVar aggregate classification (germline): Benign/Likely benign. Review status: criteria provided, multiple submitters, no conflicts (2 of 4 stars). 3 submissions from 3 submitters: Benign (1); Likely benign (2). Last evaluated 2026-01-01.

Allele frequency attached by ClinVar (database versions not stated): gnomAD exomes 0.00008 and 0.00030; gnomAD 0.00011 and 0.00013; TOPMed 0.00014; 1000 Genomes Project 30x 0.00016; 1000 Genomes Project 0.00020; ExAC 0.00032.
gnomAD v4.1: 150 of 1,614,182 alleles (0.0093%); highest among the groups gnomAD compares: East Asian, 0.16%; no homozygotes.

Submissions (3):

CeGaT Center for Human Genetics Tuebingen
Classification: Likely benign. Last evaluated: 2026-01-01. Review status: criteria provided, single submitter. Criteria: CeGaT Center For Human Genetics Tuebingen Variant Classification Criteria Version 2. Collection method: clinical testing. Allele origin: germline. Affected: yes. Observed: 1 variant allele.
Comment: CIT: BP4, BP7

Labcorp Genetics (formerly Invitae), Labcorp
Classification: Benign. Last evaluated: 2025-08-05. Review status: criteria provided, single submitter. Criteria: Invitae Variant Classification Sherloc (09022015). Collection method: clinical testing. Allele origin: germline.

Blueprint Genetics
Classification: Likely benign. Last evaluated: 2024-07-02. Review status: criteria provided, single submitter. Criteria: ACMG Guidelines, 2015. Collection method: clinical testing. Allele origin: germline.